The following is an entry in ClinVar:

ClinVar aggregate classification (germline): Uncertain significance (1 of 4 stars; one submission).

Conditions:
Familial sleep-related hypermotor epilepsy. Also called: Autosomal Dominant Sleep-Related Hypermotor (Hyperkinetic) Epilepsy. Identifiers: Orphanet 98784, MedGen C3696898, MONDO:0000030.

Submission:

Labcorp Genetics (formerly Invitae), Labcorp
Classification: Uncertain significance. Last evaluated: 2024-06-07. Review status: criteria provided, single submitter. Criteria: Invitae Variant Classification Sherloc (09022015). Collection method: clinical testing. Allele origin: germline.
Comment: This sequence change replaces proline, which is neutral and non-polar, with threonine, which is neutral and polar, at codon 392 of the CHRNA4 protein (p.Pro392Thr). This variant is not present in population databases (gnomAD no frequency). This variant has not been reported in the literature in individuals affected with CHRNA4-related conditions. Advanced modeling of protein sequence and biophysical properties (such as structural, functional, and spatial information, amino acid conservation, physicochemical variation, residue mobility, and thermodynamic stability) performed at Invitae indicates that this missense variant is not expected to disrupt CHRNA4 protein function with a negative predictive value of 80%. In summary, the available evidence is currently insufficient to determine the role of this variant in disease. Therefore, it has been classified as a Variant of Uncertain Significance.

NM_000744.7(CHRNA4):c.1174C>A (p.Pro392Thr)

Gene: CHRNA4 (cholinergic receptor nicotinic alpha 4 subunit; minus strand). Cytogenetic location: 20q13.33.
Variant type: single nucleotide variant.
Coding change: c.1174C>A on transcript NM_000744.7 (MANE Select); coding-DNA position 1174, C replaced by A.
Protein change: p.Pro392Thr; replaces proline 392 with threonine.
Molecular consequence: missense variant. On other transcripts: non-coding transcript variant (1).
Genome position (GRCh38, 1-based): chr20:63,350,237, G>T on the plus strand (C>A on the coding strand, the complement: CHRNA4 is on the minus strand). VCF-style: chr20-63350237-G-T. GRCh37 (hg19) VCF-style: chr20-61981589-G-T.
Other names: c.646C>A, p.Pro216Thr (NM_001256573.2); short protein forms P392T, P216T.
Identifiers: ClinVar variation 3655844 (VCV003655844.2).